The following is an entry in ClinVar:

ClinVar aggregate classification (germline): Uncertain significance (1 of 4 stars; one submission).

Conditions:
Autosomal dominant nocturnal frontal lobe epilepsy 5. Also called: CILIARY DYSKINESIA, PRIMARY, 28, WITHOUT SITUS INVERSUS; CILIARY DYSKINESIA, PRIMARY, 28, WITH SITUS INVERSUS; KCNT1-Related Epilepsy; Epilepsy, nocturnal frontal lobe, 5. Identifiers: Orphanet 98784, MedGen C3554306, MONDO:0014002, OMIM 615005.
Developmental and epileptic encephalopathy, 14 (DEE14). Also called: Early infantile epileptic encephalopathy 14. Identifiers: Orphanet 293181, MedGen C3554195, MONDO:0013989, OMIM 614959.

gnomAD v4.1: 2 of 1,611,506 alleles (0.00012%); highest among the groups gnomAD compares: Middle Eastern, 0.017%; no homozygotes.

Submission:

Labcorp Genetics (formerly Invitae), Labcorp
Classification: Uncertain significance for Autosomal dominant nocturnal frontal lobe epilepsy 5; Developmental and epileptic encephalopathy, 14. Last evaluated: 2025-02-17. Review status: criteria provided, single submitter. Criteria: Invitae Variant Classification Sherloc (09022015). Collection method: clinical testing. Allele origin: germline.
Comment: This sequence change replaces alanine, which is neutral and non-polar, with serine, which is neutral and polar, at codon 658 of the KCNT1 protein (p.Ala658Ser). This variant is not present in population databases (gnomAD no frequency). This variant has not been reported in the literature in individuals affected with KCNT1-related conditions. Invitae Evidence Modeling of protein sequence and biophysical properties (such as structural, functional, and spatial information, amino acid conservation, physicochemical variation, residue mobility, and thermodynamic stability) indicates that this missense variant is not expected to disrupt KCNT1 protein function with a negative predictive value of 80%. In summary, the available evidence is currently insufficient to determine the role of this variant in disease. Therefore, it has been classified as a Variant of Uncertain Significance.

NM_020822.3(KCNT1):c.1972G>T (p.Ala658Ser)

Gene: KCNT1 (potassium sodium-activated channel subfamily T member 1; plus strand). Cytogenetic location: 9q34.3.
Variant type: single nucleotide variant.
Coding change: c.1972G>T on transcript NM_020822.3 (MANE Select); coding-DNA position 1972, G replaced by T.
Protein change: p.Ala658Ser; replaces alanine 658 with serine.
Molecular consequence: missense variant.
Genome position (GRCh38, 1-based): chr9:135,771,059, G>T. VCF-style: chr9-135771059-G-T. GRCh37 (hg19) VCF-style: chr9-138662905-G-T.
Other names: c.1837G>T, p.Ala613Ser (NM_001272003.2); short protein forms A613S, A658S.
Identifiers: ClinVar variation 4788007 (VCV004788007.1).
Genomic context (GRCh38, chr9:135,771,059, plus strand): 5'-AAGCAGGAGGAGAAGCGGAAGAAGAGGGCCTTCTCGGGGCAGGGGCTGCACGAGGGTCCG[G>T]CCCGCCTGCCCGTGCACAGCATCATCGCCTCCATGGGTGAGCCGGGACAGGCGCGCGGGA-3'
Protein context (NP_065873.2, residues 648-668): FSGQGLHEGP[Ala658Ser]RLPVHSIIAS